The following is an entry in ClinVar:

NM_001243.5(TNFRSF8):c.1244G>A (p.Arg415Gln)

Gene: TNFRSF8 (TNF receptor superfamily member 8; plus strand). Cytogenetic location: 1p36.22.
Variant type: single nucleotide variant.
Coding change: c.1244G>A on transcript NM_001243.5 (MANE Select); coding-DNA position 1244, G replaced by A.
Protein change: p.Arg415Gln; replaces arginine 415 with glutamine.
Molecular consequence: missense variant.
Genome position (GRCh38, 1-based): chr1:12,126,041, G>A. VCF-style: chr1-12126041-G-A. GRCh37 (hg19) VCF-style: chr1-12186098-G-A.
Other names: c.911G>A, p.Arg304Gln (NM_001281430.3); short protein forms R304Q, R415Q.
Identifiers: ClinVar variation 2638246 (VCV002638246.24), dbSNP rs548102737, ClinGen allele CA600374.

ClinVar aggregate classification (germline): Likely benign (1 of 4 stars; one submission).

Allele frequency attached by ClinVar (database versions not stated): TOPMed 0.00001; gnomAD 0.00006; ExAC 0.00015; 1000 Genomes Project 30x 0.00031; 1000 Genomes Project 0.00040.
gnomAD v4.1: 82 of 1,614,140 alleles (0.0051%); highest among the groups gnomAD compares: South Asian, 0.07%; 2 homozygotes.

Submission:

CeGaT Center for Human Genetics Tuebingen
Classification: Likely benign. Last evaluated: 2023-07-01. Review status: criteria provided, single submitter. Criteria: CeGaT Center For Human Genetics Tuebingen Variant Classification Criteria Version 2. Collection method: clinical testing. Allele origin: germline. Affected: yes. Observed: 1 variant allele.
Comment: TNFRSF8: BP4